The following is an entry in ClinVar:

NM_206933.4(USH2A):c.15089C>A (p.Ser5030Ter)

Gene: USH2A (usherin; minus strand). Cytogenetic location: 1q41.
Variant type: single nucleotide variant.
Coding change: c.15089C>A on transcript NM_206933.4 (MANE Select); coding-DNA position 15089, C replaced by A.
Protein change: p.Ser5030Ter; replaces serine 5030 with a stop codon.
Molecular consequence: nonsense.
Genome position (GRCh38, 1-based): chr1:215,634,667, G>T on the plus strand (C>A on the coding strand, the complement: USH2A is on the minus strand). VCF-style: chr1-215634667-G-T. GRCh37 (hg19) VCF-style: chr1-215808009-G-T.
Other names: NP_996816.3:p.(Ser5030Ter); short protein forms S5030*.
Identifiers: ClinVar variation 620106 (VCV000620106.19), dbSNP rs758660532, ClinGen allele CA1392795.

ClinVar aggregate classification (germline): Pathogenic. Review status: criteria provided, multiple submitters, no conflicts (2 of 4 stars). 8 submissions from 7 submitters: Pathogenic (8). Last evaluated 2025-09-09.

Conditions:
USH2A-related disorder. Also called: USH2A-related disorders; USH2A-related condition. Identifiers: MedGen CN239332.
Usher syndrome. Also called: Usher Syndromes; Usher's syndrome. Identifiers: Orphanet 886, MedGen CN469326, MeSH D052245, MONDO:0019501. Disease mechanism: loss of function.
Retinitis pigmentosa 39 (RP39). Identifiers: Orphanet 791, MedGen C3151138, MONDO:0013436, OMIM 613809.
Usher syndrome type 2A. Also called: USHER SYNDROME, TYPE IIA; RETINAL DISEASE IN USHER SYNDROME TYPE IIA, MODIFIER OF. Identifiers: Orphanet 231178, Orphanet 886, MedGen C1848634, MONDO:0010169, OMIM 276901.

gnomAD v4.1: 6 of 1,614,156 alleles (0.00037%); highest among the groups gnomAD compares: Admixed American, 0.005%; no homozygotes.

Submissions (8):

Natera, Inc.
Classification: Pathogenic for Usher syndrome type 2A. Last evaluated: 2025-09-09. Review status: criteria provided, single submitter. Criteria: Natera Variant Classification Schema (03/2026). Collection method: clinical testing. Allele origin: germline.
Comment: The c.15089C>A variant in USH2A is a nonsense variant predicted to introduce a stop codon at amino acid 5030. This variant is expected to result in nonsense mediated decay, truncation, or a dysfunctional protein product. This variant is rare in the general population with a frequency below the threshold expected for the associated phenotype(s). This variant has been observed in one or more individuals affected with the associated recessive disease, as either homozygous or compound heterozygous with a second variant (PMID: 33089500). Given the available evidence, this variant is classified as Pathogenic.

GeneDx
Classification: Pathogenic. Last evaluated: 2025-04-13. Review status: criteria provided, single submitter. Criteria: GeneDx Variant Classification Process June 2021. Collection method: clinical testing. Allele origin: germline. Affected: yes.
Comment: Nonsense variant predicted to result in protein truncation or nonsense mediated decay in a gene for which loss of function is a known mechanism of disease; Not observed at significant frequency in large population cohorts (gnomAD); This variant is associated with the following publications: (PMID: 25525159, 21569298, 31964843, 31589614, 32884132, Varela2023[Abstract], 34948090, 38189974, 37217489, 33089500, 36785559, 36909829, 17405132)

Labcorp Genetics (formerly Invitae), Labcorp
Classification: Pathogenic. Last evaluated: 2025-03-03. Review status: criteria provided, single submitter. Criteria: Invitae Variant Classification Sherloc (09022015). Collection method: clinical testing. Allele origin: germline.
Comment: This sequence change creates a premature translational stop signal (p.Ser5030*) in the USH2A gene. It is expected to result in an absent or disrupted protein product. Loss-of-function variants in USH2A are known to be pathogenic (PMID: 10729113, 10909849, 20507924, 25649381). This variant is present in population databases (rs758660532, gnomAD 0.003%). This premature translational stop signal has been observed in individual(s) with Usher syndrome (PMID: 17405132). ClinVar contains an entry for this variant (Variation ID: 620106). For these reasons, this variant has been classified as Pathogenic.

Genome-Nilou Lab
Classification: Pathogenic for Retinitis pigmentosa 39. Last evaluated: 2023-11-04. Review status: criteria provided, single submitter. Criteria: ACMG Guidelines, 2015. Collection method: clinical testing. Allele origin: germline. Affected: no.

Genome-Nilou Lab
Classification: Pathogenic for Usher syndrome type 2A. Last evaluated: 2023-11-04. Review status: criteria provided, single submitter. Criteria: ACMG Guidelines, 2015. Collection method: clinical testing. Allele origin: germline. Affected: no.

Ophthalmic Genetics Group, Institute of Molecular and Clinical Ophthalmology Basel
Classification: Pathogenic for Usher syndrome. Last evaluated: 2023-07-24. Review status: criteria provided, single submitter. Criteria: ACMG Guidelines, 2015. Collection method: research. Allele origin: germline. Affected: yes. Observed: 1 variant allele.
Comment: Clinical significance based on ACMG v2.0

This variant was classified as Pathogenic based on ACMG criteria: PVS1, PM2, PP5.

Baylor Genetics
Classification: Pathogenic for Retinitis pigmentosa 39. Last evaluated: 2023-06-20. Review status: criteria provided, single submitter. Criteria: ACMG Guidelines, 2015. Collection method: clinical testing. Allele origin: unknown.

Blueprint Genetics
Classification: Pathogenic for USH2A-related disorders. Last evaluated: 2021-06-29. Review status: criteria provided, single submitter. Criteria: ACMG Guidelines, 2015. Collection method: clinical testing. Allele origin: germline. Affected: yes. Observed: 3 variant alleles.

Literature cited by the submitters: PubMed 33089500 (cited by Natera, Inc.); PubMed 10729113 (cited by Labcorp Genetics (formerly Invitae), Labcorp); PubMed 10909849 (cited by Labcorp Genetics (formerly Invitae), Labcorp); PubMed 20507924 (cited by Labcorp Genetics (formerly Invitae), Labcorp); PubMed 25649381 (cited by Labcorp Genetics (formerly Invitae), Labcorp); PubMed 17405132 (cited by Labcorp Genetics (formerly Invitae), Labcorp); PubMed 36909829 (cited by Ophthalmic Genetics Group, Institute of Molecular and Clinical Ophthalmology Basel).